The following is an entry in ClinVar:

NM_001329943.3(KIAA0586):c.2141C>G (p.Ser714Cys)

Gene: KIAA0586 (KIAA0586; plus strand). Cytogenetic location: 14q23.1.
Variant type: single nucleotide variant.
Coding change: c.2141C>G on transcript NM_001329943.3 (MANE Select); coding-DNA position 2141, C replaced by G.
Protein change: p.Ser714Cys; replaces serine 714 with cysteine.
Molecular consequence: missense variant.
Genome position (GRCh38, 1-based): chr14:58,465,916, C>G. VCF-style: chr14-58465916-C-G. GRCh37 (hg19) VCF-style: chr14-58932634-C-G.
Other names: c.2300C>G, p.Ser767Cys (NM_001244189.2); c.2096C>G, p.Ser699Cys (NM_001244190.2); c.1886C>G, p.Ser629Cys (NM_001244191.2, NM_001329945.2, NM_001364700.1 and 1 more transcripts); c.2009C>G, p.Ser670Cys (NM_001244192.2); c.1721C>G, p.Ser574Cys (NM_001244193.2); c.2141C>G, p.Ser714Cys (NM_001329944.2, NM_001329946.2, NM_001329947.2); c.1913C>G, p.Ser638Cys (NM_014749.5); short protein forms S638C, S670C, S699C, S714C, S574C, S629C, S767C.
Identifiers: ClinVar variation 1481964 (VCV001481964.6), dbSNP rs2140939862, ClinGen allele CA389874015.

ClinVar aggregate classification (germline): Uncertain significance (1 of 4 stars; one submission).

Conditions:
Joubert syndrome 23 (JBTS23). Identifiers: Orphanet 475, MedGen C4084822, MONDO:0014664, OMIM 616490.
Short-rib thoracic dysplasia 14 with polydactyly (SRTD14). Identifiers: Orphanet 397715, MedGen C4225286, MONDO:0014688, OMIM 616546.

Submission:

Labcorp Genetics (formerly Invitae), Labcorp
Classification: Uncertain significance for Joubert syndrome 23; Short-rib thoracic dysplasia 14 with polydactyly. Last evaluated: 2022-07-06. Review status: criteria provided, single submitter. Criteria: Invitae Variant Classification Sherloc (09022015). Collection method: clinical testing. Allele origin: germline.
Comment: This sequence change replaces serine, which is neutral and polar, with cysteine, which is neutral and slightly polar, at codon 767 of the KIAA0586 protein (p.Ser767Cys). This variant is not present in population databases (gnomAD no frequency). This variant has not been reported in the literature in individuals affected with KIAA0586-related conditions. ClinVar contains an entry for this variant (Variation ID: 1481964). Algorithms developed to predict the effect of missense changes on protein structure and function are either unavailable or do not agree on the potential impact of this missense change (SIFT: "Deleterious"; PolyPhen-2: "Probably Damaging"; Align-GVGD: "Class C0"). In summary, the available evidence is currently insufficient to determine the role of this variant in disease. Therefore, it has been classified as a Variant of Uncertain Significance.